The following is an entry in ClinVar:

ClinVar aggregate classification (germline): Uncertain significance (1 of 4 stars; one submission).

Conditions:
Gorlin syndrome. Also called: Nevoid Basal Cell Carcinoma Syndrome; Basal cell nevus syndrome. Identifiers: Orphanet 377, MedGen C0004779, MONDO:0007187.

gnomAD v4.1: 7 of 1,614,200 alleles (0.00043%); highest among the groups gnomAD compares: Non-Finnish European, 0.00059%; no homozygotes.

Submission:

Labcorp Genetics (formerly Invitae), Labcorp
Classification: Uncertain significance for Gorlin syndrome. Last evaluated: 2025-07-24. Review status: criteria provided, single submitter. Criteria: Invitae Variant Classification Sherloc (09022015). Collection method: clinical testing. Allele origin: germline.
Comment: This sequence change replaces glycine, which is neutral and non-polar, with aspartic acid, which is acidic and polar, at codon 72 of the PTCH2 protein (p.Gly72Asp). This variant is not present in population databases (gnomAD no frequency). This variant has not been reported in the literature in individuals affected with PTCH2-related conditions. ClinVar contains an entry for this variant (Variation ID: 2718376). Invitae Evidence Modeling of protein sequence and biophysical properties (such as structural, functional, and spatial information, amino acid conservation, physicochemical variation, residue mobility, and thermodynamic stability) has been performed for this missense variant. However, the output from this modeling did not meet the statistical confidence thresholds required to predict the impact of this variant on PTCH2 protein function. In summary, the available evidence is currently insufficient to determine the role of this variant in disease. Therefore, it has been classified as a Variant of Uncertain Significance.

NM_003738.5(PTCH2):c.215G>A (p.Gly72Asp)

Gene: PTCH2 (patched 2; minus strand). Cytogenetic location: 1p34.1.
Variant type: single nucleotide variant.
Coding change: c.215G>A on transcript NM_003738.5 (MANE Select); coding-DNA position 215, G replaced by A.
Protein change: p.Gly72Asp; replaces glycine 72 with aspartic acid.
Molecular consequence: missense variant.
Genome position (GRCh38, 1-based): chr1:44,841,897, C>T on the plus strand (G>A on the coding strand, the complement: PTCH2 is on the minus strand). VCF-style: chr1-44841897-C-T. GRCh37 (hg19) VCF-style: chr1-45307569-C-T.
Other names: c.215G>A, p.Gly72Asp (NM_001166292.2); short protein forms G72D.
Identifiers: ClinVar variation 2718376 (VCV002718376.3), dbSNP rs2522087538, ClinGen allele CA340110742.